The following is an entry in ClinVar:

NM_001371928.1(AHDC1):c.1805C>T (p.Ala602Val)

Gene: AHDC1 (AT-hook DNA binding motif containing 1; minus strand). Cytogenetic location: 1p36.11.
Variant type: single nucleotide variant.
Coding change: c.1805C>T on transcript NM_001371928.1 (MANE Select); coding-DNA position 1805, C replaced by T.
Protein change: p.Ala602Val; replaces alanine 602 with valine.
Molecular consequence: missense variant.
Genome position (GRCh38, 1-based): chr1:27,550,311, G>A on the plus strand (C>T on the coding strand, the complement: AHDC1 is on the minus strand). VCF-style: chr1-27550311-G-A. GRCh37 (hg19) VCF-style: chr1-27876822-G-A.
Other names: c.1805C>T, p.Ala602Val (NM_001029882.3); short protein forms A602V.
Identifiers: ClinVar variation 3618866 (VCV003618866.2).

ClinVar aggregate classification (germline): Uncertain significance (1 of 4 stars; one submission).

gnomAD v4.1: 4 of 1,614,114 alleles (0.00025%); highest among the groups gnomAD compares: Non-Finnish European, 0.00034%; no homozygotes.

Submission:

Labcorp Genetics (formerly Invitae), Labcorp
Classification: Uncertain significance. Last evaluated: 2024-11-18. Review status: criteria provided, single submitter. Criteria: Invitae Variant Classification Sherloc (09022015). Collection method: clinical testing. Allele origin: germline.
Comment: This sequence change replaces alanine, which is neutral and non-polar, with valine, which is neutral and non-polar, at codon 602 of the AHDC1 protein (p.Ala602Val). This variant is present in population databases (no rsID available, gnomAD 0.0009%). This variant has not been reported in the literature in individuals affected with AHDC1-related conditions. An algorithm developed to predict the effect of missense changes on protein structure and function (PolyPhen-2) suggests that this variant is likely to be disruptive. In summary, the available evidence is currently insufficient to determine the role of this variant in disease. Therefore, it has been classified as a Variant of Uncertain Significance.